The following is an entry in ClinVar:

NM_018699.4(PRDM5):c.1316C>T (p.Ala439Val)

Gene: PRDM5 (PR/SET domain 5; minus strand). Cytogenetic location: 4q27.
Variant type: single nucleotide variant.
Coding change: c.1316C>T on transcript NM_018699.4 (MANE Select); coding-DNA position 1316, C replaced by T.
Protein change: p.Ala439Val; replaces alanine 439 with valine.
Molecular consequence: missense variant.
Genome position (GRCh38, 1-based): chr4:120,781,270, G>A on the plus strand (C>T on the coding strand, the complement: PRDM5 is on the minus strand). VCF-style: chr4-120781270-G-A. GRCh37 (hg19) VCF-style: chr4-121702425-G-A.
Other names: c.1223C>T, p.Ala408Val (NM_001300823.2, NM_001300824.2, NM_001379106.1); c.1349C>T, p.Ala450Val (NM_001379104.1); short protein forms A408V, A439V, A450V.
Identifiers: ClinVar variation 2128380 (VCV002128380.4), dbSNP rs915854208, ClinGen allele CA105117602.

ClinVar aggregate classification (germline): Uncertain significance (1 of 4 stars; one submission).

Allele frequency attached by ClinVar (database versions not stated): gnomAD exomes below 0.00001.
gnomAD v4.1: 1 of 1,613,160 alleles (0.000062%); highest among the groups gnomAD compares: Non-Finnish European, 0.000085%; no homozygotes.

Submission:

Labcorp Genetics (formerly Invitae), Labcorp
Classification: Uncertain significance. Last evaluated: 2022-04-20. Review status: criteria provided, single submitter. Criteria: Invitae Variant Classification Sherloc (09022015). Collection method: clinical testing. Allele origin: germline.
Comment: In summary, the available evidence is currently insufficient to determine the role of this variant in disease. Therefore, it has been classified as a Variant of Uncertain Significance. Algorithms developed to predict the effect of missense changes on protein structure and function are either unavailable or do not agree on the potential impact of this missense change (SIFT: "Deleterious"; PolyPhen-2: "Probably Damaging"; Align-GVGD: "Class C0"). This variant has not been reported in the literature in individuals affected with PRDM5-related conditions. This variant is not present in population databases (gnomAD no frequency). This sequence change replaces alanine, which is neutral and non-polar, with valine, which is neutral and non-polar, at codon 439 of the PRDM5 protein (p.Ala439Val).